The following is an entry in ClinVar:

NM_014413.4(EIF2AK1):c.1622G>C (p.Arg541Thr)

Gene: EIF2AK1 (eukaryotic translation initiation factor 2 alpha kinase 1; minus strand). Cytogenetic location: 7p22.1.
Variant type: single nucleotide variant.
Coding change: c.1622G>C on transcript NM_014413.4 (MANE Select); coding-DNA position 1622, G replaced by C.
Protein change: p.Arg541Thr; replaces arginine 541 with threonine.
Molecular consequence: missense variant.
Genome position (GRCh38, 1-based): chr7:6,026,870, C>G on the plus strand (G>C on the coding strand, the complement: EIF2AK1 is on the minus strand). VCF-style: chr7-6026870-C-G. GRCh37 (hg19) VCF-style: chr7-6066501-C-G.
Other names: c.1619G>C, p.Arg540Thr (NM_001134335.2); short protein forms R540T, R541T.
Identifiers: ClinVar variation 2178192 (VCV002178192.4), dbSNP rs767750021, ClinGen allele CA366749856.

ClinVar aggregate classification (germline): Uncertain significance (1 of 4 stars; one submission).

Allele frequency attached by ClinVar (database versions not stated): gnomAD 0.00001.
gnomAD v4.1: 10 of 1,614,020 alleles (0.00062%); highest among the groups gnomAD compares: Non-Finnish European, 0.00085%; no homozygotes.

Submission:

Labcorp Genetics (formerly Invitae), Labcorp
Classification: Uncertain significance. Last evaluated: 2022-03-01. Review status: criteria provided, single submitter. Criteria: Invitae Variant Classification Sherloc (09022015). Collection method: clinical testing. Allele origin: germline.
Comment: Algorithms developed to predict the effect of missense changes on protein structure and function (SIFT, PolyPhen-2, Align-GVGD) all suggest that this variant is likely to be disruptive. This variant has not been reported in the literature in individuals affected with EIF2AK1-related conditions. This variant is present in population databases (no rsID available, gnomAD 0.007%). This sequence change replaces arginine, which is basic and polar, with threonine, which is neutral and polar, at codon 541 of the EIF2AK1 protein (p.Arg541Thr). In summary, the available evidence is currently insufficient to determine the role of this variant in disease. Therefore, it has been classified as a Variant of Uncertain Significance.